The following is an entry in ClinVar:

NM_002693.3(POLG):c.2095G>A (p.Val699Met)

Gene: POLG (DNA polymerase gamma, catalytic subunit; minus strand). Cytogenetic location: 15q26.1.
Variant type: single nucleotide variant.
Coding change: c.2095G>A on transcript NM_002693.3 (MANE Select); coding-DNA position 2095, G replaced by A.
Protein change: p.Val699Met; replaces valine 699 with methionine.
Molecular consequence: missense variant.
Genome position (GRCh38, 1-based): chr15:89,323,877, C>T on the plus strand (G>A on the coding strand, the complement: POLG is on the minus strand). VCF-style: chr15-89323877-C-T. GRCh37 (hg19) VCF-style: chr15-89867108-C-T.
Other names: c.2095G>A, p.Val699Met (NM_001126131.2); short protein forms V699M.
Identifiers: ClinVar variation 2852969 (VCV002852969.3), dbSNP rs2509232361, ClinGen allele CA393757243.

ClinVar aggregate classification (germline): Uncertain significance (1 of 4 stars; one submission).

Conditions:
Progressive sclerosing poliodystrophy (MTDPS4A). Also called: Mitochondrial DNA depletion syndrome 4A (Alpers type); ALPERS PROGRESSIVE INFANTILE POLIODYSTROPHY; NEURONAL DEGENERATION OF CHILDHOOD WITH LIVER DISEASE, PROGRESSIVE; Alpers Syndrome; ALPERS DIFFUSE DEGENERATION OF CEREBRAL GRAY MATTER WITH HEPATIC CIRRHOSIS; Alpers-Huttenlocher Syndrome. Identifiers: Orphanet 726, MedGen C0205710, MONDO:0008758, OMIM 203700.

Allele frequency attached by ClinVar (database versions not stated): gnomAD exomes below 0.00001.
gnomAD v4.1: 3 of 1,614,050 alleles (0.00019%); highest among the groups gnomAD compares: Non-Finnish European, 0.00025%; no homozygotes.

Submission:

Labcorp Genetics (formerly Invitae), Labcorp
Classification: Uncertain significance for Progressive sclerosing poliodystrophy. Last evaluated: 2023-06-16. Review status: criteria provided, single submitter. Criteria: Invitae Variant Classification Sherloc (09022015). Collection method: clinical testing. Allele origin: germline.
Comment: In summary, the available evidence is currently insufficient to determine the role of this variant in disease. Therefore, it has been classified as a Variant of Uncertain Significance. Advanced modeling of protein sequence and biophysical properties (such as structural, functional, and spatial information, amino acid conservation, physicochemical variation, residue mobility, and thermodynamic stability) performed at Invitae indicates that this missense variant is not expected to disrupt POLG protein function. This variant has not been reported in the literature in individuals affected with POLG-related conditions. This variant is not present in population databases (gnomAD no frequency). This sequence change replaces valine, which is neutral and non-polar, with methionine, which is neutral and non-polar, at codon 699 of the POLG protein (p.Val699Met).